The following is an entry in ClinVar:

ClinVar aggregate classification (germline): Uncertain significance (1 of 4 stars; one submission).

Conditions:
Inborn genetic diseases. Identifiers: MedGen C0950123, MeSH D030342.

Submission:

Ambry Genetics
Classification: Uncertain significance for Inborn genetic diseases. Last evaluated: 2019-12-19. Review status: criteria provided, single submitter. Criteria: Ambry Variant Classification Scheme 2023. Collection method: clinical testing. Allele origin: germline.
Comment: The p.G881R variant (also known as c.2641G>A), located in coding exon 22 of the SBF2 gene, results from a G to A substitution at nucleotide position 2641. The glycine at codon 881 is replaced by arginine, an amino acid with dissimilar properties. This amino acid position is highly conserved in available vertebrate species. In addition, this alteration is predicted to be deleterious by in silico analysis. Since supporting evidence is limited at this time, the clinical significance of this alteration remains unclear.

NM_030962.4(SBF2):c.2641G>A (p.Gly881Arg)

Genes: SBF2 (SET binding factor 2; minus strand), LOC101928008 (uncharacterized LOC101928008; plus strand). Cytogenetic location: 11p15.4.
Variant type: single nucleotide variant.
Coding change: c.2641G>A on transcript NM_030962.4 (MANE Select); coding-DNA position 2641, G replaced by A.
Protein change: p.Gly881Arg; replaces glycine 881 with arginine.
Molecular consequence: missense variant.
Genome position (GRCh38, 1-based): chr11:9,850,188, C>T on the plus strand (G>A on the coding strand, the complement: SBF2 is on the minus strand). VCF-style: chr11-9850188-C-T. GRCh37 (hg19) VCF-style: chr11-9871735-C-T.
Other names: c.2641G>A, p.Gly881Arg (NM_001386339.1); c.2512G>A, p.Gly838Arg (NM_001386342.1); short protein forms G881R, G838R.
Identifiers: ClinVar variation 1794201 (VCV001794201.2), dbSNP rs2494826822, ClinGen allele CA379635854.
Genomic context (GRCh38, chr11:9,850,188, plus strand): 5'-CTTCTTCTCTTCCATCAGGATCCAGCAAGACTCGAAGACCCTCACAGACAATTTCTTCTC[C>T]TGGCAGCAGAGCAGGTCTAAGAATCTTGGGCTTACAACAGAAAAAGATTGATTGATTGAT-3'
Protein context (NP_112224.1, residues 871-891): PKILRPALLP[Gly881Arg]EEIVCEGLRV